The following is an entry in ClinVar:

NM_182978.4(GNAL):c.376+80_376+81insCGGCGGGCACCGGGGAGCGGCGGCGGGCACCGGGGAGCGG

Gene: GNAL (G protein subunit alpha L; plus strand). Cytogenetic location: 18p11.21.
Variant type: Microsatellite.
Coding change: c.376+80_376+81insCGGCGGGCACCGGGGAGCGGCGGCGGGCACCGGGGAGCGG on transcript NM_182978.4 (MANE Select); bases 80 to 81 of the intron after coding-DNA position 376, CGGCGGGCACCGGGGAGCGGCGGCGGGCACCGGGGAGCGG inserted.
Molecular consequence: intron variant.
Genome position: GRCh38, VCF-style position (the base before the change): chr18:11,689,997. GRCh37 (hg19), VCF-style position (the base before the change): chr18:11,689,996.
Identifiers: ClinVar variation 1707229 (VCV001707229.2), dbSNP rs1199314818, ClinGen allele CA628202422.
Genomic context (GRCh38, chr18:11,689,997, plus strand): 5'-TCGGTAGGTCCCGGCCGCGAGGTCGGCTGACGCCCCGGGGACAGCGCGCCGGGCCCGCGG[G>GGGCGGCGGGCACCGGGGAGCGGCGGCGGGCACCGGGGAGC]GGCGGCGGGCACCGGGGAGCGGTGGCGGGCACCGGGGAGCGGCGGCGGGAGGGGCTCCTG-3'

ClinVar aggregate classification (germline): Likely benign (1 of 4 stars; one submission).

Submission:

GeneDx
Classification: Likely benign. Last evaluated: 2018-10-14. Review status: criteria provided, single submitter. Criteria: GeneDx Variant Classification Process June 2021. Collection method: clinical testing. Allele origin: germline. Affected: yes.
Comment: See Variant Classification Assertion Criteria.